The following is an entry in ClinVar:

ClinVar aggregate classification (germline): Uncertain significance (1 of 4 stars; one submission).

Allele frequency attached by ClinVar (database versions not stated): gnomAD exomes below 0.00001; ExAC 0.00001.
gnomAD v4.1: 2 of 1,614,208 alleles (0.00012%); highest among the groups gnomAD compares: Admixed American, 0.0033%; no homozygotes.

Submission:

Labcorp Genetics (formerly Invitae), Labcorp
Classification: Uncertain significance. Last evaluated: 2022-10-30. Review status: criteria provided, single submitter. Criteria: Invitae Variant Classification Sherloc (09022015). Collection method: clinical testing. Allele origin: germline.
Comment: In summary, the available evidence is currently insufficient to determine the role of this variant in disease. Therefore, it has been classified as a Variant of Uncertain Significance. Advanced modeling of protein sequence and biophysical properties (such as structural, functional, and spatial information, amino acid conservation, physicochemical variation, residue mobility, and thermodynamic stability) performed at Invitae indicates that this missense variant is expected to disrupt TUBA8 protein function. ClinVar contains an entry for this variant (Variation ID: 1483567). This variant has not been reported in the literature in individuals affected with TUBA8-related conditions. This variant is present in population databases (rs774914844, gnomAD 0.003%). This sequence change replaces leucine, which is neutral and non-polar, with phenylalanine, which is neutral and non-polar, at codon 242 of the TUBA8 protein (p.Leu242Phe).

NM_018943.3(TUBA8):c.724C>T (p.Leu242Phe)

Gene: TUBA8 (tubulin alpha 8; plus strand). Cytogenetic location: 22q11.21.
Variant type: single nucleotide variant.
Coding change: c.724C>T on transcript NM_018943.3 (MANE Select); coding-DNA position 724, C replaced by T.
Protein change: p.Leu242Phe; replaces leucine 242 with phenylalanine.
Molecular consequence: missense variant.
Genome position (GRCh38, 1-based): chr22:18,126,702, C>T. VCF-style: chr22-18126702-C-T. GRCh37 (hg19) VCF-style: chr22-18609469-C-T.
Other names: c.526C>T, p.Leu176Phe (NM_001193414.2); short protein forms L176F, L242F.
Identifiers: ClinVar variation 1483567 (VCV001483567.8), dbSNP rs774914844, ClinGen allele CA10093741.